The following is an entry in ClinVar:

NM_000020.3(ACVRL1):c.542_545del (p.Asp181fs)

Gene: ACVRL1 (activin A receptor like type 1; plus strand). Cytogenetic location: 12q13.13.
Variant type: Deletion.
Coding change: c.542_545del on transcript NM_000020.3 (MANE Select); coding-DNA positions 542 to 545, 4 bases deleted (ACTG; older notation c.542_545delACTG).
Protein change: p.Asp181fs; shifts the reading frame from aspartic acid 181.
Molecular consequence: frameshift variant.
Genome position (GRCh38, 1-based): chr12:51,913,990-51,913,993, ACTG deleted; deleting any 4 consecutive bases within chr12:51,913,988-51,913,993 gives the same sequence; the c. name uses the placement nearest the transcript's 3' end. VCF-style (leftmost placement, unchanged base first): chr12-51913987-GTGAC-G. GRCh37 (hg19) VCF-style: chr12-52307771-GTGAC-G.
Other names: c.542_545delACTG (NM_000020.2); c.542_545del, p.Asp181fs (NM_001077401.2); short protein forms D181fs.
Identifiers: ClinVar variation 464765 (VCV000464765.6), dbSNP rs1555152771, ClinGen allele CA658656299.

ClinVar aggregate classification (germline): Pathogenic (1 of 4 stars; one submission).

Conditions:
Telangiectasia, hereditary hemorrhagic, type 2 (HHT2). Also called: ACVRL1-Related Hereditary Hemorrhagic Telangiectasia; Telangiectasia, hereditary hemorrhagic, type II. Identifiers: Orphanet 774, MedGen C1838163, MONDO:0010880, OMIM 600376. Disease mechanism: loss of function.

Submission:

Labcorp Genetics (formerly Invitae), Labcorp
Classification: Pathogenic for Telangiectasia, hereditary hemorrhagic, type 2. Last evaluated: 2017-05-31. Review status: criteria provided, single submitter. Criteria: Invitae Variant Classification Sherloc (09022015). Collection method: clinical testing. Allele origin: germline.
Comment: For these reasons, this variant has been classified as Pathogenic. Loss-of-function variants in ACVRL1 are known to be pathogenic (PMID: 15879500). This variant has not been reported in the literature in individuals with a ACVRL1-related disease. This variant is not present in population databases (ExAC no frequency). This sequence change creates a premature translational stop signal (p.Asp181Alafs*76) in the ACVRL1 gene. It is expected to result in an absent or disrupted protein product.

Literature cited by the submitters: PubMed 15879500.